The following is an entry in ClinVar:

NM_178452.6(DNAAF1):c.1615C>A (p.Leu539Met)

Gene: DNAAF1 (dynein axonemal assembly factor 1; plus strand). Cytogenetic location: 16q24.1.
Variant type: single nucleotide variant.
Coding change: c.1615C>A on transcript NM_178452.6 (MANE Select); coding-DNA position 1615, C replaced by A.
Protein change: p.Leu539Met; replaces leucine 539 with methionine.
Molecular consequence: missense variant.
Genome position (GRCh38, 1-based): chr16:84,172,346, C>A. VCF-style: chr16-84172346-C-A. GRCh37 (hg19) VCF-style: chr16-84205952-C-A.
Other names: c.907C>A, p.Leu303Met (NM_001318756.1); short protein forms L539M, L303M.
Identifiers: ClinVar variation 525251 (VCV000525251.9), dbSNP rs1239119335, ClinGen allele CA396949214.
Genomic context (GRCh38, chr16:84,172,346, plus strand): 5'-GAGGGTGTATTCGTTACAGAACTTGATGGAACGAGAACGGAAGATTTAGAAACCATTAGA[C>A]TGGAGACAAAGGAGACATTCTGCATTGATGTACATGAAGTATTTAATCTTGGAGATAAGT-3'
Protein context (NP_848547.4, residues 529-549): TRTEDLETIR[Leu539Met]ETKETFCIDD

ClinVar aggregate classification (germline): Uncertain significance (1 of 4 stars; one submission).

Conditions:
Primary ciliary dyskinesia. Also called: Ciliary dyskinesia. Identifiers: Orphanet 244, MedGen C0008780, MONDO:0016575, HP:0012265.

Allele frequency attached by ClinVar (database versions not stated): TOPMed 0.00001.

Submission:

Labcorp Genetics (formerly Invitae), Labcorp
Classification: Uncertain significance for Primary ciliary dyskinesia. Last evaluated: 2017-10-18. Review status: criteria provided, single submitter. Criteria: Invitae Variant Classification Sherloc (09022015). Collection method: clinical testing. Allele origin: germline.
Comment: This sequence change replaces leucine with methionine at codon 539 of the DNAAF1 protein (p.Leu539Met). The leucine residue is weakly conserved and there is a small physicochemical difference between leucine and methionine. This variant is not present in population databases (ExAC no frequency). This variant has not been reported in the literature in individuals with DNAAF1-related disease. Algorithms developed to predict the effect of missense changes on protein structure and function do not agree on the potential impact of this missense change (SIFT: "Tolerated"; PolyPhen-2: "Probably Damaging"; Align-GVGD: "Class C0"). In summary, the available evidence is currently insufficient to determine the role of this variant in disease. Therefore, it has been classified as a Variant of Uncertain Significance.